The following is an entry in ClinVar:

ClinVar aggregate classification (germline): Uncertain significance (1 of 4 stars; one submission).

Conditions:
Cardiovascular phenotype. Identifiers: MedGen CN230736.

Submission:

Ambry Genetics
Classification: Uncertain significance for Cardiovascular phenotype. Last evaluated: 2024-05-19. Review status: criteria provided, single submitter. Criteria: Ambry Variant Classification Scheme 2023. Collection method: clinical testing. Allele origin: germline.
Comment: The p.G111A variant (also known as c.332G>C), located in coding exon 3 of the ACTN2 gene, results from a G to C substitution at nucleotide position 332. The glycine at codon 111 is replaced by alanine, an amino acid with similar properties. This amino acid position is conserved. In addition, the in silico prediction for this alteration is inconclusive. Based on the available evidence, the clinical significance of this variant remains unclear.

NM_001103.4(ACTN2):c.332G>C (p.Gly111Ala)

Gene: ACTN2 (actinin alpha 2; plus strand). Cytogenetic location: 1q43.
Variant type: single nucleotide variant.
Coding change: c.332G>C on transcript NM_001103.4 (MANE Select); coding-DNA position 332, G replaced by C.
Protein change: p.Gly111Ala; replaces glycine 111 with alanine.
Molecular consequence: missense variant. On other transcripts: non-coding transcript variant (1).
Genome position (GRCh38, 1-based): chr1:236,718,984, G>C. VCF-style: chr1-236718984-G-C. GRCh37 (hg19) VCF-style: chr1-236882284-G-C.
Other names: c.332G>C, p.Gly111Ala (NM_001278343.2); short protein forms G111A.
Identifiers: ClinVar variation 3264307 (VCV003264307.1).